The following is an entry in ClinVar:

ClinVar aggregate classification (germline): Uncertain significance (1 of 4 stars; one submission).

gnomAD v4.1: 16 of 1,613,964 alleles (0.00099%); highest among the groups gnomAD compares: African/African-American, 0.0067%; no homozygotes.

Submission:

Labcorp Genetics (formerly Invitae), Labcorp
Classification: Uncertain significance. Last evaluated: 2025-10-11. Review status: criteria provided, single submitter. Criteria: Invitae Variant Classification Sherloc (09022015). Collection method: clinical testing. Allele origin: germline.
Comment: This sequence change replaces arginine, which is basic and polar, with glutamine, which is neutral and polar, at codon 343 of the MMP14 protein (p.Arg343Gln). This variant is present in population databases (rs367667276, gnomAD 0.004%). This variant has not been reported in the literature in individuals affected with MMP14-related conditions. ClinVar contains an entry for this variant (Variation ID: 3715255). Invitae Evidence Modeling of protein sequence and biophysical properties (such as structural, functional, and spatial information, amino acid conservation, physicochemical variation, residue mobility, and thermodynamic stability) indicates that this missense variant is expected to disrupt MMP14 protein function with a positive predictive value of 80%. In summary, the available evidence is currently insufficient to determine the role of this variant in disease. Therefore, it has been classified as a Variant of Uncertain Significance.

NM_004995.4(MMP14):c.1028G>A (p.Arg343Gln)

Gene: MMP14 (matrix metallopeptidase 14; plus strand). Cytogenetic location: 14q11.2.
Variant type: single nucleotide variant.
Coding change: c.1028G>A on transcript NM_004995.4 (MANE Select); coding-DNA position 1028, G replaced by A.
Protein change: p.Arg343Gln; replaces arginine 343 with glutamine.
Molecular consequence: missense variant.
Genome position (GRCh38, 1-based): chr14:22,844,387, G>A. VCF-style: chr14-22844387-G-A. GRCh37 (hg19) VCF-style: chr14-23313596-G-A.
Other names: short protein forms R343Q.
Identifiers: ClinVar variation 3715255 (VCV003715255.2).
Genomic context (GRCh38, chr14:22,844,387, plus strand): 5'-GCCGCAAGACATAATGGACTTTTCCTGCATTGACCGGCTTCCAGGAGCGCTGGTTCTGGC[G>A]GGTGAGGAATAACCAAGTGATGGATGGATACCCAATGCCCATTGGCCAGTTCTGGCGGGG-3'
Protein context (NP_004986.1, residues 333-353): MFVFKERWFW[Arg343Gln]VRNNQVMDGY